The following is an entry in ClinVar:

NM_000089.4(COL1A2):c.2312C>T (p.Pro771Leu)

Gene: COL1A2 (collagen type I alpha 2 chain; plus strand). Cytogenetic location: 7q21.3.
Variant type: single nucleotide variant.
Coding change: c.2312C>T on transcript NM_000089.4 (MANE Select); coding-DNA position 2312, C replaced by T.
Protein change: p.Pro771Leu; replaces proline 771 with leucine.
Molecular consequence: missense variant.
Genome position (GRCh38, 1-based): chr7:94,421,025, C>T. VCF-style: chr7-94421025-C-T. GRCh37 (hg19) VCF-style: chr7-94050337-C-T.
Other names: c.2312C>T (NM_000089.3); short protein forms P771L.
Identifiers: ClinVar variation 1384180 (VCV001384180.10), dbSNP rs569241110, ClinGen allele CA162936490.

ClinVar aggregate classification (germline): Uncertain significance. Review status: criteria provided, multiple submitters, no conflicts (2 of 4 stars). 2 submissions from 2 submitters: Uncertain significance (2). Last evaluated 2026-09-11.

Conditions:
Cardiovascular phenotype. Identifiers: MedGen CN230736.
Osteogenesis imperfecta type I (OI1). Also called: Osteogenesis imperfecta type 1; Lobstein disease; Classic Non-deforming Osteogenesis Imperfecta with Blue Sclerae; Lobstein's Disease; OI, TYPE I; OSTEOGENESIS IMPERFECTA TARDA. Identifiers: Orphanet 216796, Orphanet 666, MedGen C0023931, MONDO:0008146, OMIM 166200. Disease mechanism: loss of function.
Ehlers-Danlos syndrome, classic type, 1 (EDSCL1). Also called: Ehlers-Danlos Syndrome, Classic Type, COL5A1-Related; Ehlers-Danlos syndrome, type 1; EDS I; EHLERS-DANLOS SYNDROME, GRAVIS TYPE; EHLERS-DANLOS SYNDROME, SEVERE CLASSIC TYPE. Identifiers: MedGen C0268335, MONDO:0019567, OMIM 130000.

Allele frequency attached by ClinVar (database versions not stated): TOPMed 0.00001; gnomAD 0.00001; gnomAD exomes 0.00001 and below 0.00001; 1000 Genomes Project 0.00020; 1000 Genomes Project 30x 0.00031.
gnomAD v4.1: 13 of 1,614,010 alleles (0.00081%); highest among the groups gnomAD compares: Admixed American, 0.0033%; no homozygotes.

Submissions (2):

Ambry Genetics
Classification: Uncertain significance for Cardiovascular phenotype. Last evaluated: 2026-09-11. Review status: criteria provided, single submitter. Criteria: Ambry Variant Classification Scheme 2023. Collection method: clinical testing. Allele origin: germline.

Labcorp Genetics (formerly Invitae), Labcorp
Classification: Uncertain significance for Osteogenesis imperfecta type I; Ehlers-Danlos syndrome, classic type, 1. Last evaluated: 2025-07-03. Review status: criteria provided, single submitter. Criteria: Invitae Variant Classification Sherloc (09022015). Collection method: clinical testing. Allele origin: germline.
Comment: This sequence change replaces proline, which is neutral and non-polar, with leucine, which is neutral and non-polar, at codon 771 of the COL1A2 protein (p.Pro771Leu). This variant is present in population databases (rs569241110, gnomAD 0.003%). This variant has not been reported in the literature in individuals affected with COL1A2-related conditions. ClinVar contains an entry for this variant (Variation ID: 1384180). Invitae Evidence Modeling of protein sequence and biophysical properties (such as structural, functional, and spatial information, amino acid conservation, physicochemical variation, residue mobility, and thermodynamic stability) indicates that this missense variant is not expected to disrupt COL1A2 protein function with a negative predictive value of 95%. In summary, the available evidence is currently insufficient to determine the role of this variant in disease. Therefore, it has been classified as a Variant of Uncertain Significance.